The following is an entry in ClinVar:

NM_014272.5(ADAMTS7):c.3234C>T (p.Tyr1078=)

Gene: ADAMTS7 (ADAM metallopeptidase with thrombospondin type 1 motif 7; minus strand). Cytogenetic location: 15q25.1.
Variant type: single nucleotide variant.
Coding change: c.3234C>T on transcript NM_014272.5 (MANE Select); coding-DNA position 3234, C replaced by T.
Protein change: p.Tyr1078=; no amino-acid change (tyrosine 1078 retained).
Molecular consequence: synonymous variant.
Genome position (GRCh38, 1-based): chr15:78,766,677, G>A on the plus strand (C>T on the coding strand, the complement: ADAMTS7 is on the minus strand). VCF-style: chr15-78766677-G-A. GRCh37 (hg19) VCF-style: chr15-79059019-G-A.
Identifiers: ClinVar variation 3898229 (VCV003898229.7).

ClinVar aggregate classification (germline): Likely benign (1 of 4 stars; one submission).

Submission:

CeGaT Center for Human Genetics Tuebingen
Classification: Likely benign. Last evaluated: 2025-04-01. Review status: criteria provided, single submitter. Criteria: CeGaT Center For Human Genetics Tuebingen Variant Classification Criteria Version 2. Collection method: clinical testing. Allele origin: germline. Affected: yes. Observed: 1 variant allele.
Comment: ADAMTS7: BP4, BP7